The following is an entry in ClinVar:

ClinVar aggregate classification (germline): Uncertain significance (1 of 4 stars; one submission).

Conditions:
Hereditary pancreatitis (PCTT). Also called: Hereditary chronic pancreatitis; PRSS1-Related Hereditary Pancreatitis. Identifiers: Orphanet 676, MedGen C0238339, MONDO:0008185, OMIM 167800.

Allele frequency attached by ClinVar (database versions not stated): gnomAD exomes below 0.00001.
gnomAD v4.1: 1 of 1,613,922 alleles (0.000062%); highest among the groups gnomAD compares: Non-Finnish European, 0.000085%; no homozygotes.

Submission:

Ambry Genetics
Classification: Uncertain significance for Hereditary pancreatitis. Last evaluated: 2021-11-22. Review status: criteria provided, single submitter. Criteria: Ambry Variant Classification Scheme 2023. Collection method: clinical testing. Allele origin: germline.
Comment: The p.H63Q variant (also known as c.189C>G), located in coding exon 2 of the PRSS1 gene, results from a C to G substitution at nucleotide position 189. The histidine at codon 63 is replaced by glutamine, an amino acid with highly similar properties. This amino acid position is conserved. In addition, this alteration is predicted to be deleterious by in silico analysis. Since supporting evidence is limited at this time, the clinical significance of this alteration remains unclear.

NM_002769.5(PRSS1):c.189C>G (p.His63Gln)

Genes: PRSS1 (serine protease 1; plus strand), TRB (T cell receptor beta locus; plus strand). Cytogenetic location: 7q34.
Variant type: single nucleotide variant.
Coding change: c.189C>G on transcript NM_002769.5 (MANE Select); coding-DNA position 189, C replaced by G.
Protein change: p.His63Gln; replaces histidine 63 with glutamine.
Molecular consequence: missense variant. On other transcripts: non-coding transcript variant (2).
Genome position (GRCh38, 1-based): chr7:142,750,703, C>G. VCF-style: chr7-142750703-C-G. GRCh37 (hg19) VCF-style: chr7-142458554-C-G.
Other names: short protein forms H63Q.
Identifiers: ClinVar variation 1782234 (VCV001782234.2), dbSNP rs2485734053, ClinGen allele CA369607562.